The following is an entry in ClinVar:

NM_005068.3(SIM1):c.2144G>T (p.Gly715Val)

Gene: SIM1 (SIM bHLH transcription factor 1; minus strand). Cytogenetic location: 6q16.3.
Variant type: single nucleotide variant.
Coding change: c.2144G>T on transcript NM_005068.3 (MANE Select); coding-DNA position 2144, G replaced by T.
Protein change: p.Gly715Val; replaces glycine 715 with valine.
Molecular consequence: missense variant.
Genome position (GRCh38, 1-based): chr6:100,390,518, C>A on the plus strand (G>T on the coding strand, the complement: SIM1 is on the minus strand). VCF-style: chr6-100390518-C-A. GRCh37 (hg19) VCF-style: chr6-100838394-C-A.
Other names: c.2144G>T, p.Gly715Val (NM_001374769.1); short protein forms G715V.
Identifiers: ClinVar variation 3357263 (VCV003357263.2).
Genomic context (GRCh38, chr6:100,390,518, plus strand): 5'-TTACAGCCCAAGGAATAGTTTCTAATGGTTTCGCTGTCATATAAGTGCTCCAGGGCATAT[C>A]CAGTTAATGTGTAAGCATGCTTGTCAAAATACTGCCGGTGAGAGCCAAAGCAGTTTGGAG-3'
Protein context (NP_005059.2, residues 705-725): YFDKHAYTLT[Gly715Val]YALEHLYDSE

ClinVar aggregate classification (germline): Uncertain significance. Review status: criteria provided, single submitter (1 of 4 stars). 2 submissions from 2 submitters: Uncertain significance (1). 1 of the submissions does not count toward it. Last evaluated 2024-02-07.

Conditions:
SIM1-related disorder. Also called: SIM1-related condition; SIM1-related disorders.
Early onset severe obesity. Identifiers: MedGen C4013980.

gnomAD v4.1: 16 of 1,613,964 alleles (0.00099%); highest among the groups gnomAD compares: African/African-American, 0.0027%; no homozygotes.

Submissions (2):

Cambridge Genomics Laboratory, East Genomic Laboratory Hub, NHS Genomic Medicine Service
Classification: Uncertain significance for Severe early-onset obesity. Last evaluated: 2024-02-07. Review status: criteria provided, single submitter. Criteria: ACGS Best Practice Guidelines for Variant Classification in Rare Disease 2020. Collection method: clinical testing. Allele origin: germline. Affected: yes.
Comment: There are no benign variants within 3 amino acid positions of the variant p.Gly715Val. (PM1_Supporting - Supporting) | Functional studies demonstrate that this variant has a damaging effect on the gene or gene product (PS3_Moderate - Moderate)

PreventionGenetics, part of Exact Sciences
Classification: Uncertain significance for SIM1-related condition. Last evaluated: 2024-06-17. Review status: no assertion criteria provided. Collection method: clinical testing. Allele origin: germline. Not counted in ClinVar's aggregate classification.
Comment: The SIM1 c.2144G>T variant is predicted to result in the amino acid substitution p.Gly715Val. This variant has been reported in two individuals with obesity (Table S1, Kleinendorst et al 2018. PubMed ID: 29970488; Blackburn et al 2020. PubMed ID: 31872862) and was also reported to occur de novo in one individual with an immune phenotype (Table S2, Klee et al 2020. PubMed ID: 33144682). An in vitro functional assay showed this variant reduced SIM1 transcriptional activity (Blackburn et al 2020. PubMed ID: 31872862). This variant is reported in 0.0035% of alleles in individuals of European (Non-Finnish) descent in gnomAD. Although we suspect that this variant may be pathogenic, at this time, the clinical significance of this variant is uncertain due to the absence of conclusive functional and genetic evidence.